The following is an entry in ClinVar:

NM_000843.4(GRM6):c.2581A>C (p.Thr861Pro)

Genes: ZNF454 (zinc finger protein 454; plus strand), GRM6 (glutamate metabotropic receptor 6; minus strand). Cytogenetic location: 5q35.3.
Variant type: single nucleotide variant.
Coding change: c.2581A>C on transcript NM_000843.4 (MANE Select); coding-DNA position 2581, A replaced by C.
Protein change: p.Thr861Pro; replaces threonine 861 with proline.
Molecular consequence: missense variant.
Genome position (GRCh38, 1-based): chr5:178,981,710, T>G on the plus strand (A>C on the coding strand, the complement: GRM6 is on the minus strand). VCF-style: chr5-178981710-T-G. GRCh37 (hg19) VCF-style: chr5-178408711-T-G.
Other names: short protein forms T861P.
Identifiers: ClinVar variation 1370705 (VCV001370705.6), dbSNP rs774860705, ClinGen allele CA3593501.

ClinVar aggregate classification (germline): Uncertain significance (1 of 4 stars; one submission).

Allele frequency attached by ClinVar (database versions not stated): ExAC 0.00001; TOPMed 0.00002.
gnomAD v4.1: 3 of 1,613,936 alleles (0.00019%); highest among the groups gnomAD compares: African/African-American, 0.004%; no homozygotes.

Submission:

Labcorp Genetics (formerly Invitae), Labcorp
Classification: Uncertain significance. Last evaluated: 2021-03-03. Review status: criteria provided, single submitter. Criteria: Invitae Variant Classification Sherloc (09022015). Collection method: clinical testing. Allele origin: germline.
Comment: In summary, the available evidence is currently insufficient to determine the role of this variant in disease. Therefore, it has been classified as a Variant of Uncertain Significance. Advanced modeling of protein sequence and biophysical properties (such as structural, functional, and spatial information, amino acid conservation, physicochemical variation, residue mobility, and thermodynamic stability) performed at Invitae indicates that this missense variant is not expected to disrupt GRM6 protein function. This variant has not been reported in the literature in individuals with GRM6-related conditions. This variant is present in population databases (rs774860705, ExAC 0.01%). This sequence change replaces threonine with proline at codon 861 of the GRM6 protein (p.Thr861Pro). The threonine residue is moderately conserved and there is a small physicochemical difference between threonine and proline.